The following is an entry in ClinVar:

ClinVar aggregate classification (germline): Conflicting classifications of pathogenicity. Review status: criteria provided, conflicting classifications (1 of 4 stars). 3 submissions from 3 submitters: Uncertain significance (1); Likely benign (1). 1 of the submissions does not count toward it. Last evaluated 2025-01-20.

Conditions:
Familial pancreatic carcinoma. Identifiers: Orphanet 1333, MedGen C2931038, MONDO:0015278, OMIM 260350.
Ataxia-telangiectasia syndrome (AT). Also called: Cerebello-oculocutaneous telangiectasia; Immunodeficiency with ataxia telangiectasia; Ataxia-telangiectasia, complementation group E; Ataxia-telangiectasia, complementation group D; AT, COMPLEMENTATION GROUP C; ATAXIA-TELANGIECTASIA, COMPLEMENTATION GROUP A. Identifiers: Orphanet 100, MedGen C0004135, MONDO:0008840, OMIM 208900.

gnomAD v4.1: 2 of 1,592,806 alleles (0.00013%); highest among the groups gnomAD compares: Non-Finnish European, 0.00017%; no homozygotes.

Submissions (3):

Labcorp Genetics (formerly Invitae), Labcorp
Classification: Likely benign for Ataxia-telangiectasia syndrome. Last evaluated: 2025-01-20. Review status: criteria provided, single submitter. Criteria: Invitae Variant Classification Sherloc (09022015). Collection method: clinical testing. Allele origin: germline.

GeneDx
Classification: Uncertain significance. Last evaluated: 2023-08-07. Review status: criteria provided, single submitter. Criteria: GeneDx Variant Classification Process June 2021. Collection method: clinical testing. Allele origin: germline. Affected: yes.
Comment: Not observed at significant frequency in large population cohorts (gnomAD); Has not been previously published as pathogenic or benign to our knowledge; In silico analysis is inconclusive as to whether the variant alters gene splicing. In the absence of RNA/functional studies, the actual effect of this sequence change is unknown.

Department of Pathology and Laboratory Medicine, Sinai Health System
Classification: Uncertain significance for Familial pancreatic carcinoma. Review status: no assertion criteria provided. Collection method: clinical testing. Allele origin: unknown. Affected: yes. Observed: 1 variant allele. Study: The Canadian Open Genetics Repository (COGR). Not counted in ClinVar's aggregate classification.
Comment: The ATM c.7928-10T>G variant was not identified in the literature nor was it identified in dbSNP, GeneInsight-COGR, Cosmic, or LOVD 3.0. The variant was identified in ClinVar (classified as uncertain significance by Invitae) and control databases in 1 of 245966 chromosomes at a frequency of 0.000004 (Genome Aggregation Database Feb 27, 2017). The variant was observed in the European population in 1 of 111470 chromosomes (freq: 0.000009), while the variant was not observed in the African, Other, Latino, Ashkenazi Jewish, East Asian, Finnish, or South Asian populations. The ATM c.7928-10T>G variant is located in the 3' splice region but does not affect the invariant -1 and -2 positions. However, positions -3 and -5 to -12 are part of the splicing consensus sequence and variants involving these positions sometimes affect splicing. In addition, 1 of 4 in silico or computational prediction software programs (SpliceSiteFinder, MaxEntScan, NNSPLICE, GeneSplicer) predict a greater than 10% difference in splicing. In summary, based on the above information, the clinical significance of this variant cannot be determined with certainty at this time. This variant is classified as a variant of uncertain significance.

NM_000051.4(ATM):c.7928-10T>G

Genes: ATM (ATM serine/threonine kinase; plus strand), C11orf65 (chromosome 11 open reading frame 65; minus strand). Cytogenetic location: 11q22.3.
Variant type: single nucleotide variant.
Coding change: c.7928-10T>G on transcript NM_000051.4 (MANE Select); 10 bases into the intron before coding-DNA position 7928, T replaced by G.
Molecular consequence: intron variant.
Genome position (GRCh38, 1-based): chr11:108,333,876, T>G. VCF-style: chr11-108333876-T-G. GRCh37 (hg19) VCF-style: chr11-108204603-T-G.
Other names: c.7928-10T>G (NM_001351834.2); c.641-24805A>C (NM_001330368.2); c.*38+1344A>C (NM_001351110.2).
Identifiers: ClinVar variation 524351 (VCV000524351.15), dbSNP rs188404773, ClinGen allele CA601727258.